The following is an entry in ClinVar:

NM_000722.4(CACNA2D1):c.454G>A (p.Asp152Asn)

Gene: CACNA2D1 (calcium voltage-gated channel auxiliary subunit alpha2delta 1; minus strand). Cytogenetic location: 7q21.11.
Variant type: single nucleotide variant.
Coding change: c.454G>A on transcript NM_000722.4 (MANE Select); coding-DNA position 454, G replaced by A.
Protein change: p.Asp152Asn; replaces aspartic acid 152 with asparagine.
Molecular consequence: missense variant.
Genome position (GRCh38, 1-based): chr7:82,117,116, C>T on the plus strand (G>A on the coding strand, the complement: CACNA2D1 is on the minus strand). VCF-style: chr7-82117116-C-T. GRCh37 (hg19) VCF-style: chr7-81746432-C-T.
Other names: c.454G>A, p.Asp152Asn (NM_001302890.2, NM_001366867.1); short protein forms D152N.
Identifiers: ClinVar variation 2705692 (VCV002705692.3), dbSNP rs2487080147, ClinGen allele CA368017110.

ClinVar aggregate classification (germline): Uncertain significance (1 of 4 stars; one submission).

Conditions:
Brugada syndrome. Also called: Sudden unexpected nocturnal death syndrome; Sudden Unexplained Death Syndrome; Sudden Unexplained Nocturnal Death Syndrome (SUNDS); Sudden unexplained nocturnal death syndrome. Identifiers: Orphanet 130, MedGen C1142166, MONDO:0015263.

Submission:

Labcorp Genetics (formerly Invitae), Labcorp
Classification: Uncertain significance for Brugada syndrome. Last evaluated: 2023-12-26. Review status: criteria provided, single submitter. Criteria: Invitae Variant Classification Sherloc (09022015). Collection method: clinical testing. Allele origin: germline.
Comment: This sequence change replaces aspartic acid, which is acidic and polar, with asparagine, which is neutral and polar, at codon 152 of the CACNA2D1 protein (p.Asp152Asn). This variant is not present in population databases (gnomAD no frequency). This variant has not been reported in the literature in individuals affected with CACNA2D1-related conditions. An algorithm developed to predict the effect of missense changes on protein structure and function (PolyPhen-2) suggests that this variant is likely to be disruptive. In summary, the available evidence is currently insufficient to determine the role of this variant in disease. Therefore, it has been classified as a Variant of Uncertain Significance.